The following is an entry in ClinVar:

NC_000020.10:g.(?_52763705)_(52774629_?)del

Gene: CYP24A1 (cytochrome P450 family 24 subfamily A member 1; minus strand). Cytogenetic location: 20q13.2.
Variant type: Deletion.
Identifiers: ClinVar variation 3248321 (VCV003248321.1).

ClinVar aggregate classification (germline): Uncertain significance (1 of 4 stars; one submission).

Submission:

Labcorp Genetics (formerly Invitae), Labcorp
Classification: Uncertain significance. Last evaluated: 2020-01-21. Review status: criteria provided, single submitter. Criteria: Invitae Variant Classification Sherloc (09022015). Collection method: clinical testing. Allele origin: unknown.
Comment: In summary, the available evidence is currently insufficient to determine the role of this variant in disease. Therefore, it has been classified as a Variant of Uncertain Significance. This variant has not been reported in the literature in individuals with CYP24A1-related conditions. This variant is a deletion of the genomic region encompassing exons 10-12 and part of exon 9 (c.1232_*7606del) of the CYP24A1 gene. While this is not anticipated to result in nonsense mediated decay, it likely alters RNA splicing and results in a disrupted protein product.